The following is an entry in ClinVar:

ClinVar aggregate classification (germline): Likely benign. Review status: criteria provided, single submitter (1 of 4 stars). 2 submissions from 2 submitters: Likely benign (1). 1 of the submissions does not count toward it. Last evaluated 2024-03-19.

Conditions:
ABCA4-related disorder. Also called: ABCA4-related condition; ABCA4-related disorders. Identifiers: MedGen CN239167.

Allele frequency attached by ClinVar (database versions not stated): gnomAD 0.00003; ExAC 0.00004; TOPMed 0.00006; ESP Exome Variant Server 0.00008; gnomAD exomes 0.00008; 1000 Genomes Project 30x 0.00031.
gnomAD v4.1: 111 of 1,614,176 alleles (0.0069%); highest among the groups gnomAD compares: Non-Finnish European, 0.0091%; no homozygotes.

Submissions (2):

Labcorp Genetics (formerly Invitae), Labcorp
Classification: Likely benign. Last evaluated: 2024-03-19. Review status: criteria provided, single submitter. Criteria: Invitae Variant Classification Sherloc (09022015). Collection method: clinical testing. Allele origin: germline.

PreventionGenetics, part of Exact Sciences
Classification: Likely benign for ABCA4-related condition. Last evaluated: 2021-09-10. Review status: no assertion criteria provided. Collection method: clinical testing. Allele origin: germline. Not counted in ClinVar's aggregate classification.
Comment: This variant is classified as likely benign based on ACMG/AMP sequence variant interpretation guidelines (Richards et al. 2015 PMID: 25741868, with internal and published modifications).

NM_000350.3(ABCA4):c.2418T>C (p.Thr806=)

Gene: ABCA4 (ATP binding cassette subfamily A member 4; minus strand). Cytogenetic location: 1p22.1.
Variant type: single nucleotide variant.
Coding change: c.2418T>C on transcript NM_000350.3 (MANE Select); coding-DNA position 2418, T replaced by C.
Protein change: p.Thr806=; no amino-acid change (threonine 806 retained).
Molecular consequence: synonymous variant.
Genome position (GRCh38, 1-based): chr1:94,055,280, A>G on the plus strand (T>C on the coding strand, the complement: ABCA4 is on the minus strand). VCF-style: chr1-94055280-A-G. GRCh37 (hg19) VCF-style: chr1-94520836-A-G.
Other names: c.2196T>C, p.Thr732= (NM_001425324.1).
Identifiers: ClinVar variation 2155638 (VCV002155638.6), dbSNP rs200294610, ClinGen allele CA958272.